The following is an entry in ClinVar:

NM_001184.4(ATR):c.195C>T (p.Ser65=)

Gene: ATR (ATR checkpoint kinase; minus strand). Cytogenetic location: 3q23.
Variant type: single nucleotide variant.
Coding change: c.195C>T on transcript NM_001184.4 (MANE Select); coding-DNA position 195, C replaced by T.
Protein change: p.Ser65=; no amino-acid change (serine 65 retained).
Molecular consequence: synonymous variant.
Genome position (GRCh38, 1-based): chr3:142,566,218, G>A on the plus strand (C>T on the coding strand, the complement: ATR is on the minus strand). VCF-style: chr3-142566218-G-A. GRCh37 (hg19) VCF-style: chr3-142285060-G-A.
Other names: c.195C>T, p.Ser65= (NM_001354579.2).
Identifiers: ClinVar variation 210487 (VCV000210487.27), dbSNP rs139304565, ClinGen allele CA205203.
Genomic context (GRCh38, chr3:142,566,218, plus strand): 5'-ATTTACAAACATAAGTGGGGAGGATTTCATGATATGCTGGATGAAATCAAGCAACATCAC[G>A]GAGGTTGGCTGAGAGTCAGTTTTCTTTACAAGTTCTACAGCAACTAAAACAATAAGATTC-3'
Protein context (NP_001175.2, residues 55-75): LVKKTDSQPT[Ser65=]VMLLDFIQHI

ClinVar aggregate classification (germline): Likely benign. Review status: criteria provided, multiple submitters, no conflicts (2 of 4 stars). 8 submissions from 7 submitters: Likely benign (8). Last evaluated 2026-01-16.

Conditions:
Inborn genetic diseases. Identifiers: MedGen C0950123, MeSH D030342.
Familial cutaneous telangiectasia and oropharyngeal predisposition cancer syndrome. Identifiers: Orphanet 313846, MedGen C3281203, MONDO:0013806, OMIM 614564.
Seckel syndrome 1 (SCKL1). Also called: MICROCEPHALIC PRIMORDIAL DWARFISM I. Identifiers: Orphanet 808, MedGen C4551474, MONDO:0008869, OMIM 210600.

Allele frequency attached by ClinVar (database versions not stated): ExAC 0.00024; 1000 Genomes Project 0.00040; 1000 Genomes Project 30x 0.00047; ESP Exome Variant Server 0.00054; gnomAD 0.00076 and 0.00082; TOPMed 0.00082; gnomAD exomes 0.00009 and 0.00020.
gnomAD v4.1: 252 of 1,613,930 alleles (0.016%); highest among the groups gnomAD compares: African/African-American, 0.24%; 1 homozygote.

Submissions (8):

Labcorp Genetics (formerly Invitae), Labcorp
Classification: Likely benign. Last evaluated: 2026-01-16. Review status: criteria provided, single submitter. Criteria: Invitae Variant Classification Sherloc (09022015). Collection method: clinical testing. Allele origin: germline.

CeGaT Center for Human Genetics Tuebingen
Classification: Likely benign. Last evaluated: 2025-10-01. Review status: criteria provided, single submitter. Criteria: CeGaT Center For Human Genetics Tuebingen Variant Classification Criteria Version 2. Collection method: clinical testing. Allele origin: germline. Affected: yes. Observed: 1 variant allele.
Comment: ATR: BP4, BP7

Blueprint Genetics
Classification: Likely benign. Last evaluated: 2024-06-26. Review status: criteria provided, single submitter. Criteria: ACMG Guidelines, 2015. Collection method: clinical testing. Allele origin: germline.

KCCC/NGS Laboratory, Kuwait Cancer Control Center
Classification: Likely benign for Familial cutaneous telangiectasia and oropharyngeal predisposition cancer syndrome. Last evaluated: 2023-07-07. Review status: criteria provided, single submitter. Criteria: ACMG Guidelines, 2015. Collection method: clinical testing. Allele origin: germline. Affected: yes.

Genome-Nilou Lab
Classification: Likely benign for Seckel syndrome 1. Last evaluated: 2023-02-08. Review status: criteria provided, single submitter. Criteria: ACMG Guidelines, 2015. Collection method: clinical testing. Allele origin: germline.

Genome-Nilou Lab
Classification: Likely benign for Familial cutaneous telangiectasia and oropharyngeal predisposition cancer syndrome. Last evaluated: 2023-02-08. Review status: criteria provided, single submitter. Criteria: ACMG Guidelines, 2015. Collection method: clinical testing. Allele origin: germline.

Ambry Genetics
Classification: Likely benign for Inborn genetic diseases. Last evaluated: 2022-02-23. Review status: criteria provided, single submitter. Criteria: Ambry Variant Classification Scheme 2023. Collection method: clinical testing. Allele origin: germline.

Genetic Services Laboratory, University of Chicago
Classification: Likely benign. Last evaluated: 2016-06-14. Review status: criteria provided, single submitter. Criteria: ACMG Guidelines, 2015. Collection method: clinical testing. Allele origin: germline. Affected: no.